The following is an entry in ClinVar:

ClinVar aggregate classification (germline): Uncertain significance (1 of 4 stars; one submission).

Allele frequency attached by ClinVar (database versions not stated): TOPMed below 0.00001; gnomAD 0.00001.
gnomAD v4.1: 1 of 1,614,084 alleles (0.000062%); highest among the groups gnomAD compares: Non-Finnish European, 0.000085%; no homozygotes.

Submission:

Ambry Genetics
Classification: Uncertain significance. Last evaluated: 2022-11-15. Review status: criteria provided, single submitter. Criteria: Ambry Variant Classification Scheme 2023. Collection method: clinical testing. Allele origin: germline.
Comment: The p.K142N variant (also known as c.426G>C), located in coding exon 1 of the PALLD gene, results from a G to C substitution at nucleotide position 426. The lysine at codon 142 is replaced by asparagine, an amino acid with similar properties. This amino acid position is conserved. In addition, this alteration is predicted to be tolerated by in silico analysis. Since supporting evidence is limited at this time, the clinical significance of this alteration remains unclear.

NM_001166108.2(PALLD):c.426G>C (p.Lys142Asn)

Gene: PALLD (palladin, cytoskeletal associated protein; plus strand). Cytogenetic location: 4q32.3.
Variant type: single nucleotide variant.
Coding change: c.426G>C on transcript NM_001166108.2 (MANE Select); coding-DNA position 426, G replaced by C.
Protein change: p.Lys142Asn; replaces lysine 142 with asparagine.
Molecular consequence: missense variant.
Genome position (GRCh38, 1-based): chr4:168,511,930, G>C. VCF-style: chr4-168511930-G-C. GRCh37 (hg19) VCF-style: chr4-169433081-G-C.
Other names: c.426G>C, p.Lys142Asn (NM_016081.4); short protein forms K142N.
Identifiers: ClinVar variation 2496994 (VCV002496994.2), dbSNP rs1468136284, ClinGen allele CA358725986.